The following is an entry in ClinVar:

ClinVar aggregate classification (germline): Pathogenic (1 of 4 stars; one submission).

Conditions:
Primary ciliary dyskinesia 3. Identifiers: Orphanet 244, MedGen C1837618, MONDO:0012085, OMIM 608644.

Submission:

Myriad Genetics, Inc.
Classification: Pathogenic for Primary ciliary dyskinesia 3. Last evaluated: 2025-11-19. Review status: criteria provided, single submitter. Criteria: Myriad Autosomal Dominant, Autosomal Recessive and X-Linked Classification Criteria (2023). Collection method: clinical testing. Allele origin: unknown.
Comment: NM_001369.2(DNAH5):c.1443delC(K482Rfs*2) is expected to be pathogenic in the context of primary ciliary dyskinesia, DNAH5-related. This variant is predicted to lead to an abnormal or absent protein product due to the creation of a premature termination codon in DNAH5, a gene where loss-of-function variants are known to be pathogenic. Please note: this variant was assessed in the context of healthy population screening.

NM_001369.3(DNAH5):c.1443del (p.Lys482fs)

Gene: DNAH5 (dynein axonemal heavy chain 5; minus strand). Cytogenetic location: 5p15.2.
Variant type: Deletion.
Coding change: c.1443del on transcript NM_001369.3 (MANE Select); coding-DNA position 1443, one base deleted (C; older notation c.1443delC).
Protein change: p.Lys482fs; shifts the reading frame from lysine 482.
Molecular consequence: frameshift variant.
Genome position (GRCh38, 1-based): chr5:13,913,836, G deleted on the plus strand (C on the coding strand, the reverse complement: DNAH5 is on the minus strand); the first of 2 consecutive G bases (chr5:13,913,836-13,913,837); deleting either gives the same sequence. VCF-style (leftmost placement, unchanged base first): chr5-13913835-TG-T. GRCh37 (hg19) VCF-style: chr5-13913944-TG-T.
Other names: short protein forms K482fs.
Identifiers: ClinVar variation 5015236 (VCV005015236.1).